The following is an entry in ClinVar:

ClinVar aggregate classification (germline): Uncertain significance (1 of 4 stars; one submission).

Submission:

CeGaT Center for Human Genetics Tuebingen
Classification: Uncertain significance. Last evaluated: 2025-09-01. Review status: criteria provided, single submitter. Criteria: CeGaT Center For Human Genetics Tuebingen Variant Classification Criteria Version 2. Collection method: clinical testing. Allele origin: germline. Affected: yes. Observed: 1 variant allele.
Comment: MYH10: PM2, PVS1:Moderate

NM_001256012.3(MYH10):c.5029C>T (p.Gln1677Ter)

Gene: MYH10 (myosin heavy chain 10; minus strand). Cytogenetic location: 17p13.1.
Variant type: single nucleotide variant.
Coding change: c.5029C>T on transcript NM_001256012.3 (MANE Select); coding-DNA position 5029, C replaced by T.
Protein change: p.Gln1677Ter; replaces glutamine 1677 with a stop codon.
Molecular consequence: nonsense.
Genome position (GRCh38, 1-based): chr17:8,487,450, G>A on the plus strand (C>T on the coding strand, the complement: MYH10 is on the minus strand). VCF-style: chr17-8487450-G-A. GRCh37 (hg19) VCF-style: chr17-8390768-G-A.
Other names: c.4963C>T, p.Gln1655Ter (NM_001256095.2); c.4966C>T, p.Gln1656Ter (NM_001375266.1); c.4936C>T, p.Gln1646Ter (NM_005964.5); short protein forms Q1646*, Q1655*, Q1656*, Q1677*.
Identifiers: ClinVar variation 4281439 (VCV004281439.7).
Genomic context (GRCh38, chr17:8,487,450, plus strand): 5'-TCACGTGGTGCCATCCAGAGACTCCATGGGTGAAGGCACATACCTGGAGCTTGCGGAGCT[G>A]CTTAATCACCTCATCCCGAGCTTTGTTCGCAGCCTCGATTTGGGCTTCGAGGTCCTTCAG-3'